The following is an entry in ClinVar:

NM_001130987.2(DYSF):c.1860del (p.Met621fs)

Gene: DYSF (dysferlin; plus strand). Cytogenetic location: 2p13.2.
Variant type: Deletion.
Coding change: c.1860del on transcript NM_001130987.2 (MANE Select); coding-DNA position 1860, one base deleted (C; older notation c.1860delC).
Protein change: p.Met621fs; shifts the reading frame from methionine 621.
Molecular consequence: frameshift variant.
Genome position (GRCh38, 1-based): chr2:71,553,064, C deleted; the last of 2 consecutive C bases (chr2:71,553,063-71,553,064); deleting either gives the same sequence. VCF-style (leftmost placement, unchanged base first): chr2-71553062-AC-A. GRCh37 (hg19) VCF-style: chr2-71780192-AC-A.
Other names: c.1809del, p.Met604fs (NM_001130455.2, NM_001130983.2); c.1764del, p.Met589fs (NM_001130976.2, NM_001130977.2); c.1806del, p.Met603fs (NM_001130978.2, NM_003494.4); c.1899del, p.Met634fs (NM_001130979.2); c.1857del, p.Met620fs (NM_001130980.2, NM_001130981.2); c.1902del, p.Met635fs (NM_001130982.2); c.1767del, p.Met590fs (NM_001130984.2, NM_001130986.2); c.1860del, p.Met621fs (NM_001130985.2); short protein forms M589fs, M603fs, M634fs, M590fs, M620fs, M621fs, M635fs, M604fs.
Identifiers: ClinVar variation 1455555 (VCV001455555.6), dbSNP rs2091068134, ClinGen allele CA1260095645.

ClinVar aggregate classification (germline): Pathogenic (1 of 4 stars; one submission).

Conditions:
Neuromuscular disease caused by qualitative or quantitative defects of dysferlin. Also called: Qualitative or quantitative defects of dysferlin; Dysferlinopathy. Identifiers: Orphanet 207073, MedGen C2931687, MONDO:0016145.

Submission:

Labcorp Genetics (formerly Invitae), Labcorp
Classification: Pathogenic for Neuromuscular disease caused by qualitative or quantitative defects of dysferlin. Last evaluated: 2021-06-08. Review status: criteria provided, single submitter. Criteria: Invitae Variant Classification Sherloc (09022015). Collection method: clinical testing. Allele origin: germline.
Comment: For these reasons, this variant has been classified as Pathogenic. This variant has not been reported in the literature in individuals with DYSF-related conditions. This variant is not present in population databases (ExAC no frequency). This sequence change creates a premature translational stop signal (p.Met603Cysfs*24) in the DYSF gene. It is expected to result in an absent or disrupted protein product. Loss-of-function variants in DYSF are known to be pathogenic (PMID: 17698709, 20301480).

Literature cited by the submitters: PubMed 17698709; PubMed 20301480.